The following is an entry in ClinVar:

NM_001134363.3(RBM20):c.2088C>A (p.Asn696Lys)

Gene: RBM20 (RNA binding motif protein 20; plus strand). Cytogenetic location: 10q25.2.
Variant type: single nucleotide variant.
Coding change: c.2088C>A on transcript NM_001134363.3 (MANE Select); coding-DNA position 2088, C replaced by A.
Protein change: p.Asn696Lys; replaces asparagine 696 with lysine.
Molecular consequence: missense variant.
Genome position (GRCh38, 1-based): chr10:110,812,485, C>A. VCF-style: chr10-110812485-C-A. GRCh37 (hg19) VCF-style: chr10-112572243-C-A.
Other names: short protein forms N696K.
Identifiers: ClinVar variation 4802656 (VCV004802656.1).

ClinVar aggregate classification (germline): Uncertain significance (1 of 4 stars; one submission).

Conditions:
Dilated cardiomyopathy 1DD (CMD1DD). Identifiers: Orphanet 154, MedGen C2750995, MONDO:0013168, OMIM 613172.

Submission:

Labcorp Genetics (formerly Invitae), Labcorp
Classification: Uncertain significance for Dilated cardiomyopathy 1DD. Last evaluated: 2025-10-13. Review status: criteria provided, single submitter. Criteria: Invitae Variant Classification Sherloc (09022015). Collection method: clinical testing. Allele origin: germline.
Comment: This sequence change replaces asparagine, which is neutral and polar, with lysine, which is basic and polar, at codon 696 of the RBM20 protein (p.Asn696Lys). This variant is not present in population databases (gnomAD no frequency). This variant has not been reported in the literature in individuals affected with RBM20-related conditions. Invitae Evidence Modeling of protein sequence and biophysical properties (such as structural, functional, and spatial information, amino acid conservation, physicochemical variation, residue mobility, and thermodynamic stability) indicates that this missense variant is not expected to disrupt RBM20 protein function with a negative predictive value of 95%. In summary, the available evidence is currently insufficient to determine the role of this variant in disease. Therefore, it has been classified as a Variant of Uncertain Significance.